The following is an entry in ClinVar:

NM_031483.7(ITCH):c.13G>A (p.Gly5Arg)

Gene: ITCH (itchy E3 ubiquitin protein ligase; plus strand). Cytogenetic location: 20q11.22.
Variant type: single nucleotide variant.
Coding change: c.13G>A on transcript NM_031483.7 (MANE Select); coding-DNA position 13, G replaced by A.
Protein change: p.Gly5Arg; replaces glycine 5 with arginine.
Molecular consequence: missense variant. On other transcripts: 5 prime UTR variant (1).
Genome position (GRCh38, 1-based): chr20:34,393,824, G>A. VCF-style: chr20-34393824-G-A. GRCh37 (hg19) VCF-style: chr20-32981630-G-A.
Other names: c.13G>A, p.Gly5Arg (NM_001257137.3, NM_001324197.2, NM_001324198.2); c.-176G>A (NM_001257138.3); short protein forms G5R.
Identifiers: ClinVar variation 1908465 (VCV001908465.5), dbSNP rs1194377363, ClinGen allele CA408660611.

ClinVar aggregate classification (germline): Uncertain significance (1 of 4 stars; one submission).

Conditions:
Syndromic multisystem autoimmune disease due to ITCH deficiency. Also called: AUTOIMMUNE DISEASE, MULTISYSTEM, WITH FACIAL DYSMORPHISM. Identifiers: Orphanet 228426, MedGen C3150649, MONDO:0013245, OMIM 613385.

Allele frequency attached by ClinVar (database versions not stated): gnomAD exomes below 0.00001; gnomAD 0.00001; TOPMed 0.00002.
gnomAD v4.1: 3 of 1,613,668 alleles (0.00019%); highest among the groups gnomAD compares: African/African-American, 0.004%; no homozygotes.

Submission:

Labcorp Genetics (formerly Invitae), Labcorp
Classification: Uncertain significance for Syndromic multisystem autoimmune disease due to ITCH deficiency. Last evaluated: 2022-03-12. Review status: criteria provided, single submitter. Criteria: Invitae Variant Classification Sherloc (09022015). Collection method: clinical testing. Allele origin: germline.
Comment: This sequence change replaces glycine, which is neutral and non-polar, with arginine, which is basic and polar, at codon 5 of the ITCH protein (p.Gly5Arg). In summary, the available evidence is currently insufficient to determine the role of this variant in disease. Therefore, it has been classified as a Variant of Uncertain Significance. Algorithms developed to predict the effect of sequence changes on RNA splicing suggest that this variant may disrupt the consensus splice site. Algorithms developed to predict the effect of missense changes on protein structure and function output the following: SIFT: "Not Available"; PolyPhen-2: "Benign"; Align-GVGD: "Not Available". The arginine amino acid residue is found in multiple mammalian species, which suggests that this missense change does not adversely affect protein function. This variant has not been reported in the literature in individuals affected with ITCH-related conditions. This variant is present in population databases (no rsID available, gnomAD 0.008%).